The following is an entry in ClinVar:

NM_014391.3(ANKRD1):c.631A>T (p.Lys211Ter)

Gene: ANKRD1 (ankyrin repeat domain 1; minus strand). Cytogenetic location: 10q23.31.
Variant type: single nucleotide variant.
Coding change: c.631A>T on transcript NM_014391.3 (MANE Select); coding-DNA position 631, A replaced by T.
Protein change: p.Lys211Ter; replaces lysine 211 with a stop codon.
Molecular consequence: nonsense.
Genome position (GRCh38, 1-based): chr10:90,916,191, T>A on the plus strand (A>T on the coding strand, the complement: ANKRD1 is on the minus strand). VCF-style: chr10-90916191-T-A. GRCh37 (hg19) VCF-style: chr10-92675948-T-A.
Other names: short protein forms K211*.
Identifiers: ClinVar variation 2777297 (VCV002777297.3), dbSNP rs2492956664, ClinGen allele CA377550636.

ClinVar aggregate classification (germline): Uncertain significance (1 of 4 stars; one submission).

Conditions:
ANKRD1-related dilated cardiomyopathy. Identifiers: MedGen CN119551.

Allele frequency attached by ClinVar (database versions not stated): gnomAD exomes below 0.00001.

Submission:

Labcorp Genetics (formerly Invitae), Labcorp
Classification: Uncertain significance for ANKRD1-related dilated cardiomyopathy. Last evaluated: 2023-04-06. Review status: criteria provided, single submitter. Criteria: Invitae Variant Classification Sherloc (09022015). Collection method: clinical testing. Allele origin: germline.
Comment: This sequence change creates a premature translational stop signal (p.Lys211*) in the ANKRD1 gene. It is expected to result in an absent or disrupted protein product. However, the current clinical and genetic evidence is not sufficient to establish whether loss-of-function variants in ANKRD1 cause disease. This variant is not present in population databases (gnomAD no frequency). This variant has not been reported in the literature in individuals affected with ANKRD1-related conditions. Algorithms developed to predict the effect of sequence changes on RNA splicing suggest that this variant may disrupt the consensus splice site. In summary, the available evidence is currently insufficient to determine the role of this variant in disease. Therefore, it has been classified as a Variant of Uncertain Significance.